The following is an entry in ClinVar:

ClinVar aggregate classification (germline): Uncertain significance (1 of 4 stars; one submission).

Allele frequency attached by ClinVar (database versions not stated): gnomAD exomes below 0.00001; ExAC 0.00001; gnomAD 0.00001; TOPMed 0.00001.
gnomAD v4.1: 3 of 1,602,404 alleles (0.00019%); highest among the groups gnomAD compares: Admixed American, 0.0052%; no homozygotes.

Submission:

Ambry Genetics
Classification: Uncertain significance. Last evaluated: 2023-10-27. Review status: criteria provided, single submitter. Criteria: Ambry Variant Classification Scheme 2023. Collection method: clinical testing. Allele origin: germline.
Comment: The p.A862T variant (also known as c.2584G>A), located in coding exon 15 of the PKP4 gene, results from a G to A substitution at nucleotide position 2584. The alanine at codon 862 is replaced by threonine, an amino acid with similar properties. This amino acid position is conserved. In addition, this alteration is predicted to be tolerated by in silico analysis. Since supporting evidence is limited at this time, the clinical significance of this alteration remains unclear.

NM_003628.6(PKP4):c.2584G>A (p.Ala862Thr)

Genes: PKP4 (plakophilin 4; plus strand), PKP4-AS1 (PKP4 antisense RNA 1; minus strand). Cytogenetic location: 2q24.1.
Variant type: single nucleotide variant.
Coding change: c.2584G>A on transcript NM_003628.6 (MANE Select); coding-DNA position 2584, G replaced by A.
Protein change: p.Ala862Thr; replaces alanine 862 with threonine.
Molecular consequence: missense variant.
Genome position (GRCh38, 1-based): chr2:158,666,419, G>A. VCF-style: chr2-158666419-G-A. GRCh37 (hg19) VCF-style: chr2-159522931-G-A.
Other names: c.2584G>A, p.Ala862Thr (NM_001005476.4, NM_001304971.2, NM_001377218.1 and 1 more transcripts); c.2581G>A, p.Ala861Thr (NM_001304969.3, NM_001377219.1, NM_001377220.1 and 2 more transcripts); c.1555G>A, p.Ala519Thr (NM_001304970.3); c.2578G>A, p.Ala860Thr (NM_001377222.1, NM_001377223.1); c.2575G>A, p.Ala859Thr (NM_001377224.1); short protein forms A519T, A859T, A860T, A862T, A861T.
Identifiers: ClinVar variation 1793413 (VCV001793413.2), dbSNP rs780085152, ClinGen allele CA1921043.